The following is an entry in ClinVar:

NM_003482.4(KMT2D):c.1940del (p.Pro647fs)

Gene: KMT2D (lysine methyltransferase 2D; minus strand). Cytogenetic location: 12q13.12.
Variant type: Deletion.
Coding change: c.1940del on transcript NM_003482.4 (MANE Select); coding-DNA position 1940, one base deleted (C; older notation c.1940delC).
Protein change: p.Pro647fs; shifts the reading frame from proline 647.
Molecular consequence: frameshift variant.
Genome position (GRCh38, 1-based): chr12:49,051,743, G deleted on the plus strand (C on the coding strand, the reverse complement: KMT2D is on the minus strand); the first of 7 consecutive G bases (chr12:49,051,743-49,051,749); deleting any one gives the same sequence. VCF-style (leftmost placement, unchanged base first): chr12-49051742-TG-T. GRCh37 (hg19) VCF-style: chr12-49445525-TG-T.
Other names: c.1940delC (NM_003482.3); short protein forms P647fs.
Identifiers: ClinVar variation 547404 (VCV000547404.9), dbSNP rs770315135, ClinGen allele CA645573404.

ClinVar aggregate classification (germline): Pathogenic/Likely pathogenic. Review status: criteria provided, multiple submitters, no conflicts (2 of 4 stars). 4 submissions from 4 submitters: Pathogenic (2); Likely pathogenic (1). 1 of the submissions does not count toward it. Last evaluated 2023-10-03.

Conditions:
Kabuki syndrome 1 (KABUK1). Also called: KMT2D-Related Kabuki Syndrome. Identifiers: Orphanet 2322, MedGen CN030661, MONDO:0007843, OMIM 147920.
Lung cancer. Also called: Malignant tumor of lung; Lung cancer, somatic. Identifiers: MedGen C0242379, MONDO:0008903, OMIM 211980.

Submissions (4):

GeneDx
Classification: Pathogenic. Last evaluated: 2023-10-03. Review status: criteria provided, single submitter. Criteria: GeneDx Variant Classification Process June 2021. Collection method: clinical testing. Allele origin: germline. Affected: yes.
Comment: Frameshift variant predicted to result in protein truncation or nonsense mediated decay in a gene for which loss-of-function is a known mechanism of disease; Not observed in large population cohorts (gnomAD); This variant is associated with the following publications: (PMID: 36253360, 35904121)

Eurofins Ntd Llc (ga)
Classification: Pathogenic. Last evaluated: 2017-07-31. Review status: criteria provided, single submitter. Criteria: EGL Classification Definitions 2015. Collection method: clinical testing. Allele origin: germline. Observed: 2 variant alleles, 2 heterozygotes.

Center for Human Genetics, Inc
Classification: Likely pathogenic for Kabuki syndrome 1. Last evaluated: 2016-11-01. Review status: criteria provided, single submitter. Criteria: ACMG Guidelines, 2015. Collection method: clinical testing. Allele origin: germline. Affected: yes.

Molekularpathologisches Zentrum, Universitaetsklinikum Heidelberg
Classification: Likely pathogenic for Lung cancer. Review status: no assertion criteria provided. Collection method: research. Allele origin: somatic. Not counted in ClinVar's aggregate classification.